The following is an entry in ClinVar:

NM_000274.4(OAT):c.1056G>C (p.Leu352Phe)

Gene: OAT (ornithine aminotransferase; minus strand). Cytogenetic location: 10q26.13.
Variant type: single nucleotide variant.
Coding change: c.1056G>C on transcript NM_000274.4 (MANE Select); coding-DNA position 1056, G replaced by C.
Protein change: p.Leu352Phe; replaces leucine 352 with phenylalanine.
Molecular consequence: missense variant.
Genome position (GRCh38, 1-based): chr10:124,400,943, C>G on the plus strand (G>C on the coding strand, the complement: OAT is on the minus strand). VCF-style: chr10-124400943-C-G. GRCh37 (hg19) VCF-style: chr10-126089512-C-G.
Other names: c.642G>C, p.Leu214Phe (NM_001171814.2); c.1056G>C, p.Leu352Phe (NM_001322965.2, NM_001322966.2, NM_001322967.2 and 3 more transcripts); c.735G>C, p.Leu245Phe (NM_001322971.2); c.456G>C, p.Leu152Phe (NM_001322974.2); short protein forms L352F, L152F, L214F, L245F.
Identifiers: ClinVar variation 1350976 (VCV001350976.3), dbSNP rs766145396, ClinGen allele CA378633721.

ClinVar aggregate classification (germline): Uncertain significance (1 of 4 stars; one submission).

Conditions:
Ornithine aminotransferase deficiency (GACR). Also called: Ornithine ketoacid aminotransferase deficiency; Gyrate atrophy; Gyrate atrophy of choroid and retina; Girate atrophy of the retina; HYPERORNITHINEMIA WITH GYRATE ATROPHY OF CHOROID AND RETINA; OAT DEFICIENCY. Identifiers: Orphanet 414, MedGen C0018425, MONDO:0009796, OMIM 258870.

Submission:

Labcorp Genetics (formerly Invitae), Labcorp
Classification: Uncertain significance for Ornithine aminotransferase deficiency. Last evaluated: 2022-08-14. Review status: criteria provided, single submitter. Criteria: Invitae Variant Classification Sherloc (09022015). Collection method: clinical testing. Allele origin: germline.
Comment: This sequence change replaces leucine, which is neutral and non-polar, with phenylalanine, which is neutral and non-polar, at codon 352 of the OAT protein (p.Leu352Phe). This variant is not present in population databases (gnomAD no frequency). This variant has not been reported in the literature in individuals affected with OAT-related conditions. ClinVar contains an entry for this variant (Variation ID: 1350976). Algorithms developed to predict the effect of missense changes on protein structure and function are either unavailable or do not agree on the potential impact of this missense change (SIFT: "Deleterious"; PolyPhen-2: "Possibly Damaging"; Align-GVGD: "Class C0"). In summary, the available evidence is currently insufficient to determine the role of this variant in disease. Therefore, it has been classified as a Variant of Uncertain Significance.